The following is an entry in ClinVar:

ClinVar aggregate classification (germline): Pathogenic/Likely pathogenic. Review status: criteria provided, multiple submitters, no conflicts (2 of 4 stars). 2 submissions from 2 submitters: Pathogenic (1); Likely pathogenic (1). Last evaluated 2025-07-20.

Conditions:
Autosomal recessive osteopetrosis 8. Identifiers: Orphanet 667, MedGen C3554478, MONDO:0014040, OMIM 615085.

Allele frequency attached by ClinVar (database versions not stated): gnomAD exomes 0.00001; TOPMed 0.00001.
gnomAD v4.1: 19 of 1,613,800 alleles (0.0012%); highest among the groups gnomAD compares: Non-Finnish European, 0.0014%; no homozygotes.

Submissions (2):

Labcorp Genetics (formerly Invitae), Labcorp
Classification: Pathogenic. Last evaluated: 2025-07-20. Review status: criteria provided, single submitter. Criteria: Invitae Variant Classification Sherloc (09022015). Collection method: clinical testing. Allele origin: germline.
Comment: This sequence change creates a premature translational stop signal (p.Arg51*) in the SNX10 gene. It is expected to result in an absent or disrupted protein product. Loss-of-function variants in SNX10 are known to be pathogenic (PMID: 23123320, 23280965, 25811986). This variant is present in population databases (no rsID available, gnomAD 0.0009%). This variant has not been reported in the literature in individuals affected with SNX10-related conditions. ClinVar contains an entry for this variant (Variation ID: 804401). Algorithms developed to predict the effect of sequence changes on RNA splicing suggest that this variant may disrupt the consensus splice site. For these reasons, this variant has been classified as Pathogenic.

Hadassah Hebrew University Medical Center
Classification: Likely pathogenic for Autosomal recessive osteopetrosis 8. Last evaluated: 2019-06-20. Review status: criteria provided, single submitter. Criteria: ACMG Guidelines, 2015. Collection method: clinical testing. Allele origin: germline. Inheritance: Autosomal recessive inheritance. Affected: yes.

Literature cited by the submitters: PubMed 23123320 (cited by Labcorp Genetics (formerly Invitae), Labcorp); PubMed 23280965 (cited by Labcorp Genetics (formerly Invitae), Labcorp); PubMed 25811986 (cited by Labcorp Genetics (formerly Invitae), Labcorp).

NM_013322.3(SNX10):c.151C>T (p.Arg51Ter)

Gene: SNX10 (sorting nexin 10; plus strand). Cytogenetic location: 7p15.2.
Variant type: single nucleotide variant.
Coding change: c.151C>T on transcript NM_013322.3 (MANE Select); coding-DNA position 151, C replaced by T.
Protein change: p.Arg51Ter; replaces arginine 51 with a stop codon.
Molecular consequence: nonsense. On other transcripts: intron variant (1).
Genome position (GRCh38, 1-based): chr7:26,364,574, C>T. VCF-style: chr7-26364574-C-T. GRCh37 (hg19) VCF-style: chr7-26404194-C-T.
Other names: c.151C>T, p.Arg51Ter (NM_001199835.1, NM_001318199.3); c.142C>T, p.Arg48Ter (NM_001199837.3); c.229C>T, p.Arg77Ter (NM_001318198.1, NM_001362753.1, NM_001362754.1); c.-41+72C>T (NM_001199838.2); short protein forms R77*, R48*, R51*.
Identifiers: ClinVar variation 804401 (VCV000804401.6), dbSNP rs1353879401, ClinGen allele CA367228098.